The following is an entry in ClinVar:

ClinVar aggregate classification (germline): Uncertain significance (1 of 4 stars; one submission).

Allele frequency attached by ClinVar (database versions not stated): TOPMed 0.00002; gnomAD 0.00004.
gnomAD v4.1: 31 of 1,614,078 alleles (0.0019%); highest among the groups gnomAD compares: Admixed American, 0.013%; no homozygotes.

Submission:

Labcorp Genetics (formerly Invitae), Labcorp
Classification: Uncertain significance. Last evaluated: 2025-04-21. Review status: criteria provided, single submitter. Criteria: Invitae Variant Classification Sherloc (09022015). Collection method: clinical testing. Allele origin: germline.
Comment: This sequence change replaces arginine, which is basic and polar, with glutamine, which is neutral and polar, at codon 858 of the CLCN2 protein (p.Arg858Gln). This variant is present in population databases (no rsID available, gnomAD 0.009%). This missense change has been observed in individual(s) with clinical features of CLCN2-related conditions (PMID: 31175295). ClinVar contains an entry for this variant (Variation ID: 2202318). Invitae Evidence Modeling of protein sequence and biophysical properties (such as structural, functional, and spatial information, amino acid conservation, physicochemical variation, residue mobility, and thermodynamic stability) indicates that this missense variant is not expected to disrupt CLCN2 protein function with a negative predictive value of 80%. In summary, the available evidence is currently insufficient to determine the role of this variant in disease. Therefore, it has been classified as a Variant of Uncertain Significance.

Literature cited by the submitters: PubMed 31175295.

NM_004366.6(CLCN2):c.2573G>A (p.Arg858Gln)

Gene: CLCN2 (chloride voltage-gated channel 2; minus strand). Cytogenetic location: 3q27.1.
Variant type: single nucleotide variant.
Coding change: c.2573G>A on transcript NM_004366.6 (MANE Select); coding-DNA position 2573, G replaced by A.
Protein change: p.Arg858Gln; replaces arginine 858 with glutamine.
Molecular consequence: missense variant.
Genome position (GRCh38, 1-based): chr3:184,346,730, C>T on the plus strand (G>A on the coding strand, the complement: CLCN2 is on the minus strand). VCF-style: chr3-184346730-C-T. GRCh37 (hg19) VCF-style: chr3-184064518-C-T.
Other names: c.2522G>A, p.Arg841Gln (NM_001171087.3); c.2441G>A, p.Arg814Gln (NM_001171088.3); c.2486G>A, p.Arg829Gln (NM_001171089.3); short protein forms R829Q, R841Q, R858Q, R814Q.
Identifiers: ClinVar variation 2202318 (VCV002202318.4), dbSNP rs1173638421, ClinGen allele CA355444287.
Genomic context (GRCh38, chr3:184,346,730, plus strand): 5'-GGCCCCCAGAGTGCATGCACCTCAGTGGTCTCCGTGTCACTGCTGCTGGTGGCACTGTCT[C>T]GGAAGCTGGCGAGGGGCGGCCGGACTTTCACACCCTGTGCTGTGACAGAGCCCTCGATGG-3'
Protein context (NP_004357.3, residues 848-868): VKVRPPLASF[Arg858Gln]DSATSSSDTE